The following is an entry in ClinVar:

ClinVar aggregate classification (germline): Uncertain significance (1 of 4 stars; one submission).

Allele frequency attached by ClinVar (database versions not stated): gnomAD exomes below 0.00001; TOPMed 0.00001.
gnomAD v4.1: 5 of 1,614,190 alleles (0.00031%); highest among the groups gnomAD compares: Non-Finnish European, 0.00042%; no homozygotes.

Submission:

Labcorp Genetics (formerly Invitae), Labcorp
Classification: Uncertain significance. Last evaluated: 2022-08-09. Review status: criteria provided, single submitter. Criteria: Invitae Variant Classification Sherloc (09022015). Collection method: clinical testing. Allele origin: germline.
Comment: In summary, the available evidence is currently insufficient to determine the role of this variant in disease. Therefore, it has been classified as a Variant of Uncertain Significance. Advanced modeling of protein sequence and biophysical properties (such as structural, functional, and spatial information, amino acid conservation, physicochemical variation, residue mobility, and thermodynamic stability) performed at Invitae indicates that this missense variant is expected to disrupt MTOR protein function. ClinVar contains an entry for this variant (Variation ID: 1519685). This variant has not been reported in the literature in individuals affected with MTOR-related conditions. This variant is present in population databases (no rsID available, gnomAD 0.0009%). This sequence change replaces leucine, which is neutral and non-polar, with proline, which is neutral and non-polar, at codon 1222 of the MTOR protein (p.Leu1222Pro).

NM_004958.4(MTOR):c.3665T>C (p.Leu1222Pro)

Gene: MTOR (mechanistic target of rapamycin kinase; minus strand). Cytogenetic location: 1p36.22.
Variant type: single nucleotide variant.
Coding change: c.3665T>C on transcript NM_004958.4 (MANE Select); coding-DNA position 3665, T replaced by C.
Protein change: p.Leu1222Pro; replaces leucine 1222 with proline.
Molecular consequence: missense variant.
Genome position (GRCh38, 1-based): chr1:11,209,448, A>G on the plus strand (T>C on the coding strand, the complement: MTOR is on the minus strand). VCF-style: chr1-11209448-A-G. GRCh37 (hg19) VCF-style: chr1-11269505-A-G.
Other names: c.3665T>C, p.Leu1222Pro (NM_001386500.1); c.2417T>C, p.Leu806Pro (NM_001386501.1); short protein forms L806P, L1222P.
Identifiers: ClinVar variation 1519685 (VCV001519685.6), dbSNP rs1018060177, ClinGen allele CA17915994.